The following is an entry in ClinVar:

NM_033109.5(PNPT1):c.1738+9G>C

Gene: PNPT1 (polyribonucleotide nucleotidyltransferase 1; minus strand). Cytogenetic location: 2p16.1.
Variant type: single nucleotide variant.
Coding change: c.1738+9G>C on transcript NM_033109.5 (MANE Select); 9 bases into the intron after coding-DNA position 1738, G replaced by C.
Molecular consequence: intron variant.
Genome position (GRCh38, 1-based): chr2:55,646,250, C>G on the plus strand (G>C on the coding strand, the complement: PNPT1 is on the minus strand). VCF-style: chr2-55646250-C-G. GRCh37 (hg19) VCF-style: chr2-55873385-C-G.
Identifiers: ClinVar variation 138738 (VCV000138738.14), dbSNP rs7584120, ClinGen allele CA292820.
Genomic context (GRCh38, chr2:55,646,250, plus strand): 5'-TAATGAGAACTATAGTTCCCATTAGCAAAGTGGAAAAGAATGAAGGGAGAATCAAGCACA[C>G]TAGCTCACCTGAAGCTTGTTGAATAGCCTCCATCACAATTTTTATTGGTATTCCAGGTAA-3'

ClinVar aggregate classification (germline): Benign. Review status: criteria provided, multiple submitters, no conflicts (2 of 4 stars). 4 submissions from 4 submitters: Benign (3). 1 of the submissions does not count toward it. Last evaluated 2026-02-03.

Allele frequency attached by ClinVar (database versions not stated): 1000 Genomes Project 0.19848; ESP Exome Variant Server 0.20321; ExAC 0.12979; TOPMed 0.19586; gnomAD 0.18438 and 0.18938; 1000 Genomes Project 30x 0.20175.
gnomAD v4.1: 193,387 of 1,606,680 alleles (12%); highest among the groups gnomAD compares: African/African-American, 42%; 15,900 homozygotes.

Submissions (4):

Labcorp Genetics (formerly Invitae), Labcorp
Classification: Benign. Last evaluated: 2026-02-03. Review status: criteria provided, single submitter. Criteria: Invitae Variant Classification Sherloc (09022015). Collection method: clinical testing. Allele origin: germline.

GeneDx
Classification: Benign. Last evaluated: 2013-09-05. Review status: criteria provided, single submitter. Criteria: GeneDx Variant Classification (06012015). Collection method: clinical testing. Allele origin: germline. Affected: yes.
Comment: This variant is considered likely benign or benign based on one or more of the following criteria: it is a conservative change, it occurs at a poorly conserved position in the protein, it is predicted to be benign by multiple in silico algorithms, and/or has population frequency not consistent with disease.

Breakthrough Genomics
Classification: Benign. Review status: criteria provided, single submitter. Criteria: ACMG Guidelines, 2015. Collection method: not provided. Allele origin: germline. Inheritance: Autosomal recessive inheritance. Affected: yes.

Mayo Clinic Laboratories, Mayo Clinic
Classification: Benign. Last evaluated: 2016-02-22. Review status: no assertion criteria provided. Collection method: clinical testing. Allele origin: unknown. Not counted in ClinVar's aggregate classification.